The following is an entry in ClinVar:

NM_001379180.1(ESRRB):c.599G>A (p.Arg200His)

Gene: ESRRB (estrogen related receptor beta; plus strand). Cytogenetic location: 14q24.3.
Variant type: single nucleotide variant.
Coding change: c.599G>A on transcript NM_001379180.1 (MANE Select); coding-DNA position 599, G replaced by A.
Protein change: p.Arg200His; replaces arginine 200 with histidine.
Molecular consequence: missense variant.
Genome position (GRCh38, 1-based): chr14:76,482,037, G>A. VCF-style: chr14-76482037-G-A. GRCh37 (hg19) VCF-style: chr14-76948380-G-A.
Other names: c.536G>A, p.Arg179His (NM_004452.4); short protein forms R200H, R179H.
Identifiers: ClinVar variation 929998 (VCV000929998.7), dbSNP rs752185665, ClinGen allele CA7281635.

ClinVar aggregate classification (germline): Uncertain significance. Review status: criteria provided, multiple submitters, no conflicts (2 of 4 stars). 4 submissions from 4 submitters: Uncertain significance (2). 2 of the submissions do not count toward it. Last evaluated 2025-11-18.

Conditions:
Hearing impairment. Also called: Impaired Hearing. Identifiers: MedGen C1384666, MONDO:0005365, HP:0000365.
Hearing loss, autosomal recessive. Also called: Autosomal recessive nonsyndromic deafness; Deafness, autosomal recessive; Rare autosomal recessive non-syndromic sensorineural deafness type DFNB; Nonsyndromic Hearing Loss, Recessive. Identifiers: Orphanet 90635, Orphanet 90636, MedGen C1846647, MONDO:0019588, OMIM 607197.
ESRRB-related disorder. Also called: ESRRB-related condition.

Allele frequency attached by ClinVar (database versions not stated): ExAC 0.00002; gnomAD exomes 0.00002; gnomAD 0.00003; TOPMed 0.00003.
gnomAD v4.1: 21 of 1,614,066 alleles (0.0013%); highest among the groups gnomAD compares: African/African-American, 0.004%; no homozygotes.

Submissions (4):

PreventionGenetics, part of Exact Sciences
Classification: Uncertain significance for ESRRB-related condition. Last evaluated: 2025-11-18. Review status: criteria provided, single submitter. Criteria: ACMG Guidelines, 2015. Collection method: clinical testing. Allele origin: germline.
Comment: The ESRRB c.536G>A variant is predicted to result in the amino acid substitution p.Arg179His. This variant was reported in an individual with hearing loss, although information on a second potentially causative variant was not reported (Table S2, Miyagawa et al. 2013. PubMed ID: 23967202). This variant is reported in 0.012% of alleles in individuals of African descent in gnomAD. At this time, the clinical significance of this variant is uncertain due to the absence of conclusive functional and genetic evidence.

Laboratory for Molecular Medicine, Mass General Brigham Personalized Medicine
Classification: Uncertain significance. Last evaluated: 2019-05-22. Review status: criteria provided, single submitter. Criteria: LMM Criteria. Collection method: clinical testing. Allele origin: germline. Observed: 1 variant allele.
Comment: The p.Arg179His variant in ESRRB has been identified in the homozygous state in one individual with hearing loss (Richard 2019). This variant has been identified in 0.01% (2/16256) of African chromosomes by gnomAD. Computational prediction tools and conservation analysis suggest that this variant may impact the protein, though this information is not predictive enough to determine pathogenicity. In summary, the clinical significance of this variant is uncertain. ACMG/AMP Criteria applied: PM3_Supprting, PM2_Supporting, PP3.

Yale Center for Mendelian Genomics, Yale University
Classification: Likely pathogenic for Hearing impairment. Last evaluated: 2021-01-29. Review status: no assertion criteria provided. Collection method: literature only. Allele origin: germline. Affected: yes. Observed: 1 homozygote. Study: Yale Center for Mendelian Genomics. Not counted in ClinVar's aggregate classification.

University of Washington Center for Mendelian Genomics, University of Washington
Classification: Likely pathogenic for non-syndromic autosomal recessive hearing loss. Review status: no assertion criteria provided. Collection method: research. Allele origin: inherited. Affected: yes. Not counted in ClinVar's aggregate classification.

Literature cited by the submitters: PubMed 23967202 (cited by Laboratory for Molecular Medicine, Mass General Brigham Personalized Medicine); PubMed 30303587 (cited by Laboratory for Molecular Medicine, Mass General Brigham Personalized Medicine and University of Washington Center for Mendelian Genomics, University of Washington); PubMed 33524517 (cited by Yale Center for Mendelian Genomics, Yale University).